The following is an entry in ClinVar:

NM_001376.5(DYNC1H1):c.4001C>T (p.Ser1334Leu)

Gene: DYNC1H1 (dynein cytoplasmic 1 heavy chain 1; plus strand). Cytogenetic location: 14q32.31.
Variant type: single nucleotide variant.
Coding change: c.4001C>T on transcript NM_001376.5 (MANE Select); coding-DNA position 4001, C replaced by T.
Protein change: p.Ser1334Leu; replaces serine 1334 with leucine.
Molecular consequence: missense variant.
Genome position (GRCh38, 1-based): chr14:102,000,326, C>T. VCF-style: chr14-102000326-C-T. GRCh37 (hg19) VCF-style: chr14-102466663-C-T.
Other names: short protein forms S1334L.
Identifiers: ClinVar variation 4770238 (VCV004770238.1).
Genomic context (GRCh38, chr14:102,000,326, plus strand): 5'-TTTACTATTCTCAATCGCAGGTGGCCTTAGAAGAATTACAGGACCTCAAAGGCGTTTGGT[C>T]AGAACTTTCTAAGGTTTGGGAGCAAATCGATCAGATGAAGGAGCAACCCTGGGTTTCAGT-3'
Protein context (NP_001367.2, residues 1324-1344): EELQDLKGVW[Ser1334Leu]ELSKVWEQID

ClinVar aggregate classification (germline): Uncertain significance (1 of 4 stars; one submission).

Conditions:
Charcot-Marie-Tooth disease axonal type 2O. Also called: CHARCOT-MARIE-TOOTH NEUROPATHY, AXONAL, TYPE 2O; CHARCOT-MARIE-TOOTH DISEASE, AXONAL, AUTOSOMAL DOMINANT, TYPE 2O; Charcot-Marie-Tooth Neuropathy Type 2O; Charcot-Marie-Tooth disease, axonal, type 20. Identifiers: Orphanet 284232, MedGen C3280220, MONDO:0013644, OMIM 614228.

gnomAD v4.1: 3 of 1,614,102 alleles (0.00019%); highest among the groups gnomAD compares: Non-Finnish European, 0.00025%; no homozygotes.

Submission:

Labcorp Genetics (formerly Invitae), Labcorp
Classification: Uncertain significance for Charcot-Marie-Tooth disease axonal type 2O. Last evaluated: 2025-06-01. Review status: criteria provided, single submitter. Criteria: Invitae Variant Classification Sherloc (09022015). Collection method: clinical testing. Allele origin: germline.
Comment: This sequence change replaces serine, which is neutral and polar, with leucine, which is neutral and non-polar, at codon 1334 of the DYNC1H1 protein (p.Ser1334Leu). This variant is not present in population databases (gnomAD no frequency). This variant has not been reported in the literature in individuals affected with DYNC1H1-related conditions. Invitae Evidence Modeling of protein sequence and biophysical properties (such as structural, functional, and spatial information, amino acid conservation, physicochemical variation, residue mobility, and thermodynamic stability) indicates that this missense variant is not expected to disrupt DYNC1H1 protein function with a negative predictive value of 95%. In summary, the available evidence is currently insufficient to determine the role of this variant in disease. Therefore, it has been classified as a Variant of Uncertain Significance.